The following is an entry in ClinVar:

ClinVar aggregate classification (germline): Benign/Likely benign. Review status: criteria provided, multiple submitters, no conflicts (2 of 4 stars). 3 submissions from 3 submitters: Benign (1); Likely benign (1). 1 of the submissions does not count toward it. Last evaluated 2025-10-02.

Conditions:
Dihydropyrimidinase deficiency (DPYSD). Also called: dihydropyrimidinuria; DPH DEFICIENCY; DPYS DEFICIENCY. Identifiers: Orphanet 38874, MedGen C0342803, MONDO:0009111, OMIM 222748.
DPYS-related disorder. Also called: DPYS-related condition.

Allele frequency attached by ClinVar (database versions not stated): 1000 Genomes Project 30x 0.00031; gnomAD 0.00032 and 0.00034; TOPMed 0.00042; gnomAD exomes 0.00059; ExAC 0.00068.
gnomAD v4.1: 507 of 1,499,708 alleles (0.034%); highest among the groups gnomAD compares: East Asian, 0.23%; 1 homozygote.

Submissions (3):

Labcorp Genetics (formerly Invitae), Labcorp
Classification: Likely benign. Last evaluated: 2025-10-02. Review status: criteria provided, single submitter. Criteria: Invitae Variant Classification Sherloc (09022015). Collection method: clinical testing. Allele origin: germline.

Illumina Laboratory Services, Illumina
Classification: Benign for Dihydropyrimidinase deficiency. Last evaluated: 2018-01-13. Review status: criteria provided, single submitter. Criteria: ICSL Variant Classification Criteria 13 December 2019. Collection method: clinical testing. Allele origin: germline.
Comment: This variant was observed in the ICSL laboratory as part of a predisposition screen in an ostensibly healthy population. It had not been previously curated by ICSL or reported in the Human Gene Mutation Database (HGMD: prior to June 1st, 2018), and was therefore a candidate for classification through an automated scoring system. Utilizing variant allele frequency, disease prevalence and penetrance estimates, and inheritance mode, an automated score was calculated to assess if this variant is too frequent to cause the disease. Based on the score and internal cut-off values, a variant classified as benign is not then subjected to further curation. The score for this variant resulted in a classification of benign for this disease.

PreventionGenetics, part of Exact Sciences
Classification: Likely benign for DPYS-related condition. Last evaluated: 2022-05-09. Review status: no assertion criteria provided. Collection method: clinical testing. Allele origin: germline. Not counted in ClinVar's aggregate classification.
Comment: This variant is classified as likely benign based on ACMG/AMP sequence variant interpretation guidelines (Richards et al. 2015 PMID: 25741868, with internal and published modifications).

NM_001385.3(DPYS):c.17G>A (p.Arg6Gln)

Gene: DPYS (dihydropyrimidinase; minus strand). Cytogenetic location: 8q22.3.
Variant type: single nucleotide variant.
Coding change: c.17G>A on transcript NM_001385.3 (MANE Select); coding-DNA position 17, G replaced by A.
Protein change: p.Arg6Gln; replaces arginine 6 with glutamine.
Molecular consequence: missense variant.
Genome position (GRCh38, 1-based): chr8:104,466,904, C>T on the plus strand (G>A on the coding strand, the complement: DPYS is on the minus strand). VCF-style: chr8-104466904-C-T. GRCh37 (hg19) VCF-style: chr8-105479132-C-T.
Other names: short protein forms R6Q.
Identifiers: ClinVar variation 361455 (VCV000361455.14), dbSNP rs199618701, ClinGen allele CA4838645.